The following is an entry in ClinVar:

NM_001009944.3(PKD1):c.9604G>T (p.Val3202Phe)

Gene: PKD1 (polycystin 1, transient receptor potential channel interacting; minus strand). Cytogenetic location: 16p13.3.
Variant type: single nucleotide variant.
Coding change: c.9604G>T on transcript NM_001009944.3 (MANE Select); coding-DNA position 9604, G replaced by T.
Protein change: p.Val3202Phe; replaces valine 3202 with phenylalanine.
Molecular consequence: missense variant.
Genome position (GRCh38, 1-based): chr16:2,100,274, C>A on the plus strand (G>T on the coding strand, the complement: PKD1 is on the minus strand). VCF-style: chr16-2100274-C-A. GRCh37 (hg19) VCF-style: chr16-2150275-C-A.
Other names: c.9604G>T, p.Val3202Phe (NM_000296.4); short protein forms V3202F.
Identifiers: ClinVar variation 3602282 (VCV003602282.2).

ClinVar aggregate classification (germline): Uncertain significance (1 of 4 stars; one submission).

Submission:

GeneDx
Classification: Uncertain significance. Last evaluated: 2025-02-05. Review status: criteria provided, single submitter. Criteria: GeneDx Variant Classification Process June 2021. Collection method: clinical testing. Allele origin: germline. Affected: yes.
Comment: Not observed at significant frequency in large population cohorts (gnomAD); In silico analysis supports that this missense variant has a deleterious effect on protein structure/function; This variant is associated with the following publications: (PMID: 36186434)